The following is an entry in ClinVar:

ClinVar aggregate classification (germline): Likely pathogenic (1 of 4 stars; one submission).

Conditions:
Glycogen storage disease, type II (IOPD). Also called: POMPE DISEASE, INFANTILE-ONSET; GLYCOGEN STORAGE DISEASE II, INFANTILE-ONSET; ACID ALPHA-GLUCOSIDASE DEFICIENCY, INFANTILE-ONSET; GAA DEFICIENCY, INFANTILE-ONSET; ACID MALTASE DEFICIENCY, INFANTILE-ONSET; CARDIOMEGALIA GLYCOGENICA DIFFUSA. Identifiers: Orphanet 365, MedGen C0017921, MONDO:0009290, OMIM 232300.

Submission:

Myriad Genetics, Inc.
Classification: Likely pathogenic for Glycogen storage disease, type II. Last evaluated: 2022-04-14. Review status: criteria provided, single submitter. Criteria: Myriad Women's Health Autosomal Recessive and X-Linked Classification Criteria (2021). Collection method: clinical testing. Allele origin: unknown.
Comment: NM_000152.3(GAA):c.1020C>G(Y340*) is expected to be pathogenic in the context of Pompe disease. This variant is predicted to lead to an abnormal or absent protein product due to the creation of a premature termination codon in GAA, a gene where loss-of-function variants are known to be pathogenic. Please note: this variant was assessed in the context of healthy population screening.

NM_000152.5(GAA):c.1020C>G (p.Tyr340Ter)

Gene: GAA (alpha glucosidase; plus strand). Cytogenetic location: 17q25.3.
Variant type: single nucleotide variant.
Coding change: c.1020C>G on transcript NM_000152.5 (MANE Select); coding-DNA position 1020, C replaced by G.
Protein change: p.Tyr340Ter; replaces tyrosine 340 with a stop codon.
Molecular consequence: nonsense.
Genome position (GRCh38, 1-based): chr17:80,108,354, C>G. VCF-style: chr17-80108354-C-G. GRCh37 (hg19) VCF-style: chr17-78082153-C-G.
Other names: c.1020C>G, p.Tyr340Ter (NM_001079803.3, NM_001079804.3, NM_001406741.1 and 1 more transcripts); short protein forms Y340*.
Identifiers: ClinVar variation 1725920 (VCV001725920.2), dbSNP rs1358917187, ClinGen allele CA401364608.